The following is an entry in ClinVar:

NM_021267.5(CERS1):c.912G>A (p.Ala304=)

Genes: CERS1 (ceramide synthase 1; minus strand), GDF1 (growth differentiation factor 1; minus strand). Cytogenetic location: 19p13.11.
Variant type: single nucleotide variant.
Coding change: c.912G>A on transcript NM_021267.5 (MANE Select); coding-DNA position 912, G replaced by A.
Protein change: p.Ala304=; no amino-acid change (alanine 304 retained).
Molecular consequence: synonymous variant. On other transcripts: 5 prime UTR variant (1), intron variant (1).
Genome position (GRCh38, 1-based): chr19:18,879,028, C>T on the plus strand (G>A on the coding strand, the complement: CERS1 is on the minus strand). VCF-style: chr19-18879028-C-T. GRCh37 (hg19) VCF-style: chr19-18989837-C-T.
Other names: c.618G>A, p.Ala206= (NM_001290265.2, NM_001387442.1, NM_001387443.1 and 2 more transcripts); c.912G>A, p.Ala304= (NM_001387439.1, NM_001387440.1, NM_198207.3); c.867G>A, p.Ala289= (NM_001387441.1); c.-411G>A (NM_001492.6); c.-313+5059G>A (NM_001387438.1).
Identifiers: ClinVar variation 755559 (VCV000755559.12), dbSNP rs369177504, ClinGen allele CA9318091.
Genomic context (GRCh38, chr19:18,879,028, plus strand): 5'-GTCATACTCCCGCAGGTCCTTCAGCTCGTGCACCTGGCCTGTCAACACCTTGGCTGCAAA[C>T]GCCACGATGTACTGCGAGAGGGGAGGGGAGGTGCCAGTGAGAAGAAAGCCCCCACGCCAC-3'
Protein context (NP_067090.1, residues 294-314): MNLYWFLYIV[Ala304=]FAAKVLTGQV

ClinVar aggregate classification (germline): Likely benign. Review status: criteria provided, single submitter (1 of 4 stars). 2 submissions from 2 submitters: Likely benign (1). 1 of the submissions does not count toward it. Last evaluated 2025-08-30.

Conditions:
CERS1-related disorder. Also called: CERS1-related condition.
Progressive myoclonic epilepsy type 8. Identifiers: Orphanet 424027, MedGen C5190825, MONDO:0014545, OMIM 616230.

Allele frequency attached by ClinVar (database versions not stated): ESP Exome Variant Server 0.00008; TOPMed 0.00012; ExAC 0.00016; gnomAD 0.00016; gnomAD exomes 0.00021.
gnomAD v4.1: 99 of 1,613,512 alleles (0.0061%); highest among the groups gnomAD compares: East Asian, 0.091%; no homozygotes.

Submissions (2):

Labcorp Genetics (formerly Invitae), Labcorp
Classification: Likely benign for Progressive myoclonic epilepsy type 8. Last evaluated: 2025-08-30. Review status: criteria provided, single submitter. Criteria: Invitae Variant Classification Sherloc (09022015). Collection method: clinical testing. Allele origin: germline.

PreventionGenetics, part of Exact Sciences
Classification: Likely benign for CERS1-related condition. Last evaluated: 2019-06-13. Review status: no assertion criteria provided. Collection method: clinical testing. Allele origin: germline. Not counted in ClinVar's aggregate classification.
Comment: This variant is classified as likely benign based on ACMG/AMP sequence variant interpretation guidelines (Richards et al. 2015 PMID: 25741868, with internal and published modifications).